The following is an entry in ClinVar:

NM_000138.5(FBN1):c.2342del (p.Cys781fs)

Gene: FBN1 (fibrillin 1; minus strand). Cytogenetic location: 15q21.1.
Variant type: Deletion.
Coding change: c.2342del on transcript NM_000138.5 (MANE Select); coding-DNA position 2342, one base deleted (G; older notation c.2342delG).
Protein change: p.Cys781fs; shifts the reading frame from cysteine 781.
Molecular consequence: frameshift variant.
Genome position (GRCh38, 1-based): chr15:48,496,177, C deleted on the plus strand (G on the coding strand, the reverse complement: FBN1 is on the minus strand). VCF-style (leftmost placement, unchanged base first): chr15-48496176-AC-A. GRCh37 (hg19) VCF-style: chr15-48788373-AC-A.
Other names: c.2342del, p.Cys781fs (NM_001406716.1); short protein forms C781fs.
Identifiers: ClinVar variation 2572547 (VCV002572547.1), dbSNP rs2505573722, ClinGen allele CA2580613828.

ClinVar aggregate classification (germline): Likely pathogenic (1 of 4 stars; one submission).

Conditions:
Marfan syndrome (MFS). Also called: MARFAN SYNDROME, TYPE I; FBN1-Related Marfan Syndrome; Marfan syndrome type 1; Marfan's syndrome; Marfan syndrome, classic. Identifiers: Orphanet 284963, Orphanet 558, MedGen C0024796, MONDO:0007947, OMIM 154700.

Submission:

3billion
Classification: Likely pathogenic for Marfan syndrome. Review status: criteria provided, single submitter. Criteria: ACMG Guidelines, 2015. Collection method: clinical testing. Allele origin: unknown. Affected: yes. Observed: 1 heterozygote.
Comment: The variant is not observed in the gnomAD v2.1.1 dataset. The variant is predicted to result in a loss or disruption of normal protein function through nonsense-mediated decay (NMD) or protein truncation. Multiple pathogenic variants are reported downstream of the variant. Therefore, this variant is classified as Likely pathogenic according to the recommendation of ACMG/AMP guideline.